The following is an entry in ClinVar:

ClinVar aggregate classification (germline): Likely benign (1 of 4 stars; one submission).

Allele frequency attached by ClinVar (database versions not stated): TOPMed below 0.00001; gnomAD 0.00001; ExAC 0.00002.

Submission:

CeGaT Center for Human Genetics Tuebingen
Classification: Likely benign. Last evaluated: 2023-04-01. Review status: criteria provided, single submitter. Criteria: CeGaT Center For Human Genetics Tuebingen Variant Classification Criteria Version 2. Collection method: clinical testing. Allele origin: germline. Affected: yes. Observed: 1 variant allele.
Comment: PKD1: BP4, BP7

NM_001009944.3(PKD1):c.7437C>T (p.Phe2479=)

Gene: PKD1 (polycystin 1, transient receptor potential channel interacting; minus strand). Cytogenetic location: 16p13.3.
Variant type: single nucleotide variant.
Coding change: c.7437C>T on transcript NM_001009944.3 (MANE Select); coding-DNA position 7437, C replaced by T.
Protein change: p.Phe2479=; no amino-acid change (phenylalanine 2479 retained).
Molecular consequence: synonymous variant.
Genome position (GRCh38, 1-based): chr16:2,106,450, G>A on the plus strand (C>T on the coding strand, the complement: PKD1 is on the minus strand). VCF-style: chr16-2106450-G-A. GRCh37 (hg19) VCF-style: chr16-2156451-G-A.
Other names: c.7437C>T, p.Phe2479= (NM_000296.4).
Identifiers: ClinVar variation 2646005 (VCV002646005.24), dbSNP rs763775092, ClinGen allele CA7831135.